The following is an entry in ClinVar:

NM_177438.3(DICER1):c.2824C>T (p.Pro942Ser)

Gene: DICER1 (dicer 1, ribonuclease III; minus strand). Cytogenetic location: 14q32.13.
Variant type: single nucleotide variant.
Coding change: c.2824C>T on transcript NM_177438.3 (MANE Select); coding-DNA position 2824, C replaced by T.
Protein change: p.Pro942Ser; replaces proline 942 with serine.
Molecular consequence: missense variant. On other transcripts: non-coding transcript variant (6).
Genome position (GRCh38, 1-based): chr14:95,106,204, G>A on the plus strand (C>T on the coding strand, the complement: DICER1 is on the minus strand). VCF-style: chr14-95106204-G-A. GRCh37 (hg19) VCF-style: chr14-95572541-G-A.
Other names: c.2824C>T, p.Pro942Ser (NM_001195573.1, NM_001271282.3, NM_001291628.2 and 13 more transcripts); c.2542C>T, p.Pro848Ser (NM_001395686.1); c.2419C>T, p.Pro807Ser (NM_001395687.1, NM_001395688.1, NM_001395689.1 and 2 more transcripts); c.2257C>T, p.Pro753Ser (NM_001395691.1); c.1141C>T, p.Pro381Ser (NM_001395697.1); short protein forms P942S, P848S, P753S, P807S, P381S.
Identifiers: ClinVar variation 1796489 (VCV001796489.2), dbSNP rs2140000848, ClinGen allele CA390879230.
Genomic context (GRCh38, chr14:95,106,204, plus strand): 5'-AAGGAAATTTACTGAGTGGGGTAAGATCAGTGTACACATCAGCTACATAAAATCGATGAG[G>A]CTGATCAAAATTGCGATATCTAAAAAAGAAAAACAAAAAAACAATCAGTTGCTTTTTGAT-3'
Protein context (NP_803187.1, residues 932-952): IIPRYRNFDQ[Pro942Ser]HRFYVADVYT

ClinVar aggregate classification (germline): Uncertain significance (1 of 4 stars; one submission).

Conditions:
Hereditary cancer-predisposing syndrome. Also called: Tumor predisposition; Hereditary Cancer Syndrome; Neoplastic Syndromes, Hereditary; Hereditary neoplastic syndrome. Identifiers: Orphanet 140162, MedGen C0027672, MeSH D009386, MONDO:0015356.

Submission:

Ambry Genetics
Classification: Uncertain significance for Hereditary cancer-predisposing syndrome. Last evaluated: 2022-10-19. Review status: criteria provided, single submitter. Criteria: Ambry Variant Classification Scheme 2023. Collection method: clinical testing. Allele origin: germline.
Comment: The p.P942S variant (also known as c.2824C>T), located in coding exon 17 of the DICER1 gene, results from a C to T substitution at nucleotide position 2824. The proline at codon 942 is replaced by serine, an amino acid with similar properties. This amino acid position is conserved. In addition, the in silico prediction for this alteration is inconclusive. Since supporting evidence is limited at this time, the clinical significance of this alteration remains unclear.